The following is an entry in ClinVar:

ClinVar aggregate classification (germline): Uncertain significance (1 of 4 stars; one submission).

Conditions:
Hereditary cancer-predisposing syndrome. Also called: Neoplastic Syndromes, Hereditary; Tumor predisposition; Hereditary Cancer Syndrome; Hereditary neoplastic syndrome. Identifiers: Orphanet 140162, MedGen C0027672, MeSH D009386, MONDO:0015356.

Submission:

Ambry Genetics
Classification: Uncertain significance for Hereditary cancer-predisposing syndrome. Last evaluated: 2026-05-27. Review status: criteria provided, single submitter. Criteria: Ambry Variant Classification Scheme 2023. Collection method: clinical testing. Allele origin: germline.
Comment: The p.L724F variant (also known as c.2170C>T), located in coding exon 14 of the SMARCA4 gene, results from a C to T substitution at nucleotide position 2170. The leucine at codon 724 is replaced by phenylalanine, an amino acid with highly similar properties. This amino acid position is conserved. In addition, this alteration is predicted to be tolerated by in silico analysis. Based on the available evidence, the clinical significance of this variant remains unclear.

NM_003072.5(SMARCA4):c.2170C>T (p.Leu724Phe)

Gene: SMARCA4 (SWI/SNF related BAF chromatin remodeling complex subunit ATPase 4; plus strand). Cytogenetic location: 19p13.2.
Variant type: single nucleotide variant.
Coding change: c.2170C>T on transcript NM_003072.5 (MANE Select); coding-DNA position 2170, C replaced by T.
Protein change: p.Leu724Phe; replaces leucine 724 with phenylalanine.
Molecular consequence: missense variant. On other transcripts: non-coding transcript variant (1).
Genome position (GRCh38, 1-based): chr19:11,010,427, C>T. VCF-style: chr19-11010427-C-T. GRCh37 (hg19) VCF-style: chr19-11121103-C-T.
Other names: c.2170C>T, p.Leu724Phe (NM_001128844.3, NM_001128845.2, NM_001128846.2 and 6 more transcripts); short protein forms L724F.
Identifiers: ClinVar variation 4864795 (VCV004864795.1).